The following is an entry in ClinVar:

ClinVar aggregate classification (germline): Uncertain significance (1 of 4 stars; one submission).

Submission:

Labcorp Genetics (formerly Invitae), Labcorp
Classification: Uncertain significance. Last evaluated: 2022-02-12. Review status: criteria provided, single submitter. Criteria: Invitae Variant Classification Sherloc (09022015). Collection method: clinical testing. Allele origin: germline.
Comment: In summary, the available evidence is currently insufficient to determine the role of this variant in disease. Therefore, it has been classified as a Variant of Uncertain Significance. Experimental studies and prediction algorithms are not available or were not evaluated, and the functional significance of this variant is currently unknown. This variant has not been reported in the literature in individuals affected with COL18A1-related conditions. This variant is not present in population databases (gnomAD no frequency). This variant, c.2529_2546dup, results in the insertion of 6 amino acid(s) of the COL18A1 protein (p.Pro847_Gly852dup), but otherwise preserves the integrity of the reading frame.

NM_001379500.1(COL18A1):c.2529_2546dup (p.Gly852_Thr853insProProGlyProProGly)

Gene: COL18A1 (collagen type XVIII alpha 1 chain; plus strand). Cytogenetic location: 21q22.3.
Variant type: Duplication.
Coding change: c.2529_2546dup on transcript NM_001379500.1 (MANE Select); coding-DNA positions 2529 to 2546, 18 bases duplicated (ACCTCCAGGGCCCCCAGG).
Protein change: p.Gly852_Thr853insProProGlyProProGly.
Molecular consequence: inframe insertion.
Genome position (GRCh38, 1-based): chr21:45,496,520-45,496,537, ACCTCCAGGGCCCCCAGG duplicated; duplicating any 18 consecutive bases within chr21:45,496,512-45,496,537 gives the same sequence; the c. name uses the placement nearest the transcript's 3' end. VCF-style (leftmost placement, unchanged base first): chr21-45496511-C-CCCCCCAGGACCTCCAGGG. GRCh37 (hg19) VCF-style: chr21-46916425-C-CCCCCCAGGACCTCCAGGG.
Other names: c.3069_3086dup, p.Gly1032_Thr1033insProProGlyProProGly (NM_030582.4); c.3774_3791dup, p.Gly1267_Thr1268insProProGlyProProGly (NM_130444.3).
Identifiers: ClinVar variation 2097107 (VCV002097107.4), dbSNP rs765313492, ClinGen allele CA2580098954.
Genomic context (GRCh38, chr21:45,496,511, plus strand): 5'-TGCCTGACAGGCAGGCCATAAGCCTAACAGCTCTCTGCCCTCCCCACAGGGAATGCCCGG[C>CCCCCCAGGACCTCCAGGG]CCCCCAGGACCTCCAGGGCCCCCAGGCCCTCCAGGGACTCCTGTTTACGACAGCAATGTA-3'